The following is an entry in ClinVar:

NM_015338.6(ASXL1):c.2840A>G (p.Glu947Gly)

Gene: ASXL1 (ASXL transcriptional regulator 1; plus strand). Cytogenetic location: 20q11.21.
Variant type: single nucleotide variant.
Coding change: c.2840A>G on transcript NM_015338.6 (MANE Select); coding-DNA position 2840, A replaced by G.
Protein change: p.Glu947Gly; replaces glutamic acid 947 with glycine.
Molecular consequence: missense variant.
Genome position (GRCh38, 1-based): chr20:32,435,552, A>G. VCF-style: chr20-32435552-A-G. GRCh37 (hg19) VCF-style: chr20-31023355-A-G.
Other names: c.2657A>G, p.Glu886Gly (NM_001363734.1); short protein forms E947G, E886G.
Identifiers: ClinVar variation 3687606 (VCV003687606.3).

ClinVar aggregate classification (germline): Conflicting classifications of pathogenicity. Review status: criteria provided, conflicting classifications (1 of 4 stars). 2 submissions from 2 submitters: Uncertain significance (1); Likely benign (1). Last evaluated 2025-09-10.

Conditions:
Inborn genetic diseases. Identifiers: MedGen C0950123, MeSH D030342.

Submissions (2):

Ambry Genetics
Classification: Likely benign for Inborn genetic diseases. Last evaluated: 2025-09-10. Review status: criteria provided, single submitter. Criteria: Ambry Variant Classification Scheme 2023. Collection method: clinical testing. Allele origin: germline.

Labcorp Genetics (formerly Invitae), Labcorp
Classification: Uncertain significance. Last evaluated: 2025-02-08. Review status: criteria provided, single submitter. Criteria: Invitae Variant Classification Sherloc (09022015). Collection method: clinical testing. Allele origin: germline.
Comment: This sequence change replaces glutamic acid, which is acidic and polar, with glycine, which is neutral and non-polar, at codon 947 of the ASXL1 protein (p.Glu947Gly). This variant is present in population databases (rs776670551, gnomAD 0.02%). This variant has not been reported in the literature in individuals affected with ASXL1-related conditions. An algorithm developed to predict the effect of missense changes on protein structure and function outputs the following: PolyPhen-2: "Benign". The glycine amino acid residue is found in multiple mammalian species, which suggests that this missense change does not adversely affect protein function. In summary, the available evidence is currently insufficient to determine the role of this variant in disease. Therefore, it has been classified as a Variant of Uncertain Significance.